The following is an entry in ClinVar:

ClinVar aggregate classification (germline): Likely benign. Review status: criteria provided, multiple submitters, no conflicts (2 of 4 stars). 4 submissions from 4 submitters: Likely benign (4). Last evaluated 2025-05-05.

Conditions:
Inborn genetic diseases. Identifiers: MedGen C0950123, MeSH D030342.

Allele frequency attached by ClinVar (database versions not stated): gnomAD 0.00001 and 0.00002; ESP Exome Variant Server 0.00008.
gnomAD v4.1: 64 of 1,614,102 alleles (0.004%); highest among the groups gnomAD compares: Middle Eastern, 0.066%; no homozygotes.

Submissions (4):

Labcorp Genetics (formerly Invitae), Labcorp
Classification: Likely benign. Last evaluated: 2025-05-05. Review status: criteria provided, single submitter. Criteria: Invitae Variant Classification Sherloc (09022015). Collection method: clinical testing. Allele origin: germline.

Ambry Genetics
Classification: Likely benign for Inborn genetic diseases. Last evaluated: 2024-11-24. Review status: criteria provided, single submitter. Criteria: Ambry Variant Classification Scheme 2023. Collection method: clinical testing. Allele origin: germline.

CeGaT Center for Human Genetics Tuebingen
Classification: Likely benign. Last evaluated: 2022-10-01. Review status: criteria provided, single submitter. Criteria: CeGaT Center For Human Genetics Tuebingen Variant Classification Criteria Version 2. Collection method: clinical testing. Allele origin: germline. Affected: yes. Observed: 1 variant allele.
Comment: FAT4: BP4, BP7

Breakthrough Genomics
Classification: Likely benign. Review status: criteria provided, single submitter. Criteria: ACMG Guidelines, 2015. Collection method: not provided. Allele origin: germline. Inheritance: Autosomal recessive inheritance. Affected: yes.

NM_001291303.3(FAT4):c.13416C>T (p.Gly4472=)

Gene: FAT4 (FAT atypical cadherin 4; plus strand). Cytogenetic location: 4q28.1.
Variant type: single nucleotide variant.
Coding change: c.13416C>T on transcript NM_001291303.3 (MANE Select); coding-DNA position 13416, C replaced by T.
Protein change: p.Gly4472=; no amino-acid change (glycine 4472 retained).
Molecular consequence: synonymous variant.
Genome position (GRCh38, 1-based): chr4:125,490,232, C>T. VCF-style: chr4-125490232-C-T. GRCh37 (hg19) VCF-style: chr4-126411387-C-T.
Other names: c.13410C>T (NM_024582.4); c.13413C>T, p.Gly4471= (NM_001291285.3); c.13410C>T, p.Gly4470= (NM_024582.6).
Identifiers: ClinVar variation 1584649 (VCV001584649.34), dbSNP rs141983394, ClinGen allele CA3074364.